The following is an entry in ClinVar:

NM_144997.7(FLCN):c.1290G>C (p.Val430=)

Gene: FLCN (folliculin; minus strand). Cytogenetic location: 17p11.2.
Variant type: single nucleotide variant.
Coding change: c.1290G>C on transcript NM_144997.7 (MANE Select); coding-DNA position 1290, G replaced by C.
Protein change: p.Val430=; no amino-acid change (valine 430 retained).
Molecular consequence: synonymous variant.
Genome position (GRCh38, 1-based): chr17:17,216,390, C>G on the plus strand (G>C on the coding strand, the complement: FLCN is on the minus strand). VCF-style: chr17-17216390-C-G. GRCh37 (hg19) VCF-style: chr17-17119704-C-G.
Other names: c.1344G>C, p.Val448= (NM_001353229.2); c.1290G>C, p.Val430= (NM_001353230.2, NM_001353231.2).
Identifiers: ClinVar variation 3773313 (VCV003773313.1).

ClinVar aggregate classification (germline): Benign (1 of 4 stars; one submission).

Conditions:
Birt-Hogg-Dube syndrome 1 (BHD1). Also called: FIBROFOLLICULOMAS WITH TRICHODISCOMAS AND ACROCHORDONS. Identifiers: Orphanet 122, MedGen CN375946, MONDO:0800445, OMIM 135150.

Submission:

Myriad Genetics, Inc.
Classification: Benign for Birt-Hogg-Dube syndrome 1. Last evaluated: 2024-10-24. Review status: criteria provided, single submitter. Criteria: Myriad Autosomal Dominant, Autosomal Recessive and X-Linked Classification Criteria (2023). Collection method: clinical testing. Allele origin: unknown.
Comment: This variant is considered benign. This variant is a silent/synonymous amino acid change and it is not expected to impact splicing.